The following is an entry in ClinVar:

ClinVar aggregate classification (germline): Uncertain significance (1 of 4 stars; one submission).

Conditions:
Primary ciliary dyskinesia. Also called: Ciliary dyskinesia. Identifiers: Orphanet 244, MedGen C0008780, MONDO:0016575, HP:0012265.

Allele frequency attached by ClinVar (database versions not stated): gnomAD 0.00003; gnomAD exomes 0.00003; TOPMed 0.00003; ExAC 0.00009.
gnomAD v4.1: 49 of 1,613,880 alleles (0.003%); highest among the groups gnomAD compares: South Asian, 0.033%; no homozygotes.

Submission:

Labcorp Genetics (formerly Invitae), Labcorp
Classification: Uncertain significance for Primary ciliary dyskinesia. Last evaluated: 2025-02-15. Review status: criteria provided, single submitter. Criteria: Invitae Variant Classification Sherloc (09022015). Collection method: clinical testing. Allele origin: germline.
Comment: This sequence change replaces alanine, which is neutral and non-polar, with threonine, which is neutral and polar, at codon 2896 of the DNAH8 protein (p.Ala2896Thr). This variant is present in population databases (rs752786346, gnomAD 0.04%). This variant has not been reported in the literature in individuals affected with DNAH8-related conditions. ClinVar contains an entry for this variant (Variation ID: 2701841). Invitae Evidence Modeling of protein sequence and biophysical properties (such as structural, functional, and spatial information, amino acid conservation, physicochemical variation, residue mobility, and thermodynamic stability) indicates that this missense variant is not expected to disrupt DNAH8 protein function with a negative predictive value of 80%. In summary, the available evidence is currently insufficient to determine the role of this variant in disease. Therefore, it has been classified as a Variant of Uncertain Significance.

NM_001206927.2(DNAH8):c.8686G>A (p.Ala2896Thr)

Gene: DNAH8 (dynein axonemal heavy chain 8; plus strand). Cytogenetic location: 6p21.2.
Variant type: single nucleotide variant.
Coding change: c.8686G>A on transcript NM_001206927.2 (MANE Select); coding-DNA position 8686, G replaced by A.
Protein change: p.Ala2896Thr; replaces alanine 2896 with threonine.
Molecular consequence: missense variant.
Genome position (GRCh38, 1-based): chr6:38,894,803, G>A. VCF-style: chr6-38894803-G-A. GRCh37 (hg19) VCF-style: chr6-38862579-G-A.
Other names: c.8035G>A, p.Ala2679Thr (NM_001371.4); short protein forms A2679T, A2896T.
Identifiers: ClinVar variation 2701841 (VCV002701841.3), dbSNP rs752786346, ClinGen allele CA3790270.
Genomic context (GRCh38, chr6:38,894,803, plus strand): 5'-AATCTTCGAGATCTTTCCAGAATTTGGCAAGGAATGTTGACCATAAAAGCTGAGGAGTGC[G>A]CTTCAATCCCTACTCTCCTGTCCCTTTTCAAACACGAGTGCAGCAGAGTAATTGCAGACA-3'
Protein context (NP_001193856.1, residues 2886-2906): GMLTIKAEEC[Ala2896Thr]SIPTLLSLFK